The following is an entry in ClinVar:

NM_017433.5(MYO3A):c.4411C>T (p.Arg1471Ter)

Gene: MYO3A (myosin IIIA; plus strand). Cytogenetic location: 10p12.1.
Variant type: single nucleotide variant.
Coding change: c.4411C>T on transcript NM_017433.5 (MANE Select); coding-DNA position 4411, C replaced by T.
Protein change: p.Arg1471Ter; replaces arginine 1471 with a stop codon.
Molecular consequence: nonsense.
Genome position (GRCh38, 1-based): chr10:26,176,818, C>T. VCF-style: chr10-26176818-C-T. GRCh37 (hg19) VCF-style: chr10-26465747-C-T.
Other names: short protein forms R1471*.
Identifiers: ClinVar variation 3369121 (VCV003369121.1).

ClinVar aggregate classification (germline): Uncertain significance (1 of 4 stars; one submission).

gnomAD v4.1: 3 of 1,614,072 alleles (0.00019%); highest among the groups gnomAD compares: Admixed American, 0.0017%; no homozygotes.

Submission:

GeneDx
Classification: Uncertain significance. Last evaluated: 2024-02-14. Review status: criteria provided, single submitter. Criteria: GeneDx Variant Classification Process June 2021. Collection method: clinical testing. Allele origin: germline. Affected: yes.
Comment: Nonsense variant predicted to result in protein truncation or nonsense mediated decay in a gene for which loss of function is a known mechanism of disease; Has not been previously published as pathogenic or benign to our knowledge